The following is an entry in ClinVar:

ClinVar aggregate classification (germline): Uncertain significance (1 of 4 stars; one submission).

gnomAD v4.1: 2 of 1,549,360 alleles (0.00013%); highest among the groups gnomAD compares: African/African-American, 0.0027%; no homozygotes.

Submission:

Labcorp Genetics (formerly Invitae), Labcorp
Classification: Uncertain significance. Last evaluated: 2022-08-16. Review status: criteria provided, single submitter. Criteria: Invitae Variant Classification Sherloc (09022015). Collection method: clinical testing. Allele origin: germline.
Comment: This sequence change replaces valine, which is neutral and non-polar, with glutamic acid, which is acidic and polar, at codon 1933 of the UNC80 protein (p.Val1933Glu). This variant is not present in population databases (gnomAD no frequency). This variant has not been reported in the literature in individuals affected with UNC80-related conditions. ClinVar contains an entry for this variant (Variation ID: 1415542). Algorithms developed to predict the effect of missense changes on protein structure and function are either unavailable or do not agree on the potential impact of this missense change (SIFT: "Not Available"; PolyPhen-2: "Probably Damaging"; Align-GVGD: "Not Available"). In summary, the available evidence is currently insufficient to determine the role of this variant in disease. Therefore, it has been classified as a Variant of Uncertain Significance.

NM_001371986.1(UNC80):c.5996T>A (p.Val1999Glu)

Gene: UNC80 (unc-80 homolog, NALCN channel complex subunit; plus strand). Cytogenetic location: 2q34.
Variant type: single nucleotide variant.
Coding change: c.5996T>A on transcript NM_001371986.1 (MANE Select); coding-DNA position 5996, T replaced by A.
Protein change: p.Val1999Glu; replaces valine 1999 with glutamic acid.
Molecular consequence: missense variant.
Genome position (GRCh38, 1-based): chr2:209,933,823, T>A. VCF-style: chr2-209933823-T-A. GRCh37 (hg19) VCF-style: chr2-210798547-T-A.
Other names: c.5798T>A, p.Val1933Glu (NM_032504.2); c.5783T>A, p.Val1928Glu (NM_182587.4); short protein forms V1999E, V1928E, V1933E.
Identifiers: ClinVar variation 1415542 (VCV001415542.5), dbSNP rs984602297, ClinGen allele CA65041834.